The following is an entry in ClinVar:

NM_003024.3(ITSN1):c.4253C>G (p.Ser1418Cys)

Gene: ITSN1 (intersectin 1; plus strand). Cytogenetic location: 21q22.11.
Variant type: single nucleotide variant.
Coding change: c.4253C>G on transcript NM_003024.3 (MANE Select); coding-DNA position 4253, C replaced by G.
Protein change: p.Ser1418Cys; replaces serine 1418 with cysteine.
Molecular consequence: missense variant.
Genome position (GRCh38, 1-based): chr21:33,875,433, C>G. VCF-style: chr21-33875433-C-G. GRCh37 (hg19) VCF-style: chr21-35247737-C-G.
Other names: c.4238C>G, p.Ser1413Cys (NM_001331010.2); short protein forms S1413C, S1418C.
Identifiers: ClinVar variation 3901627 (VCV003901627.1).

ClinVar aggregate classification (germline): Uncertain significance (1 of 4 stars; one submission).

Submission:

GeneDx
Classification: Uncertain significance. Last evaluated: 2024-12-03. Review status: criteria provided, single submitter. Criteria: GeneDx Variant Classification Process June 2021. Collection method: clinical testing. Allele origin: germline. Affected: yes.
Comment: In silico analysis supports that this missense variant has a deleterious effect on protein structure/function; Has not been previously published as pathogenic or benign to our knowledge